The following is an entry in ClinVar:

NM_020433.5(JPH2):c.877G>T (p.Gly293Cys)

Gene: JPH2 (junctophilin 2; minus strand). Cytogenetic location: 20q13.12.
Variant type: single nucleotide variant.
Coding change: c.877G>T on transcript NM_020433.5 (MANE Select); coding-DNA position 877, G replaced by T.
Protein change: p.Gly293Cys; replaces glycine 293 with cysteine.
Molecular consequence: missense variant.
Genome position (GRCh38, 1-based): chr20:44,159,910, C>A on the plus strand (G>T on the coding strand, the complement: JPH2 is on the minus strand). VCF-style: chr20-44159910-C-A. GRCh37 (hg19) VCF-style: chr20-42788550-C-A.
Other names: short protein forms G293C.
Identifiers: ClinVar variation 1387439 (VCV001387439.6), dbSNP rs1359821067, ClinGen allele CA409093484.
Genomic context (GRCh38, chr20:44,159,910, plus strand): 5'-GGAGGCCACTGGAGCGTTCGCTCACGCCGAAGCCCGAGCGTTTGTCGTTCTTCCACTCGC[C>A]CATGTAGGTCTCGGTGGTGGTGGCGTCGATATCGGCCTCGAAGGGTGCGGCCTCGTCGGC-3'
Protein context (NP_065166.2, residues 283-303): IDATTTETYM[Gly293Cys]EWKNDKRSGF

ClinVar aggregate classification (germline): Uncertain significance (1 of 4 stars; one submission).

Conditions:
Hypertrophic cardiomyopathy. Also called: HYPERTROPHIC MYOCARDIOPATHY. Identifiers: Orphanet 217569, MedGen C0007194, MeSH D002312, MONDO:0005045, HP:0001639.

Submission:

Labcorp Genetics (formerly Invitae), Labcorp
Classification: Uncertain significance for Hypertrophic cardiomyopathy. Last evaluated: 2021-10-16. Review status: criteria provided, single submitter. Criteria: Invitae Variant Classification Sherloc (09022015). Collection method: clinical testing. Allele origin: germline.
Comment: This variant has not been reported in the literature in individuals affected with JPH2-related conditions. In summary, the available evidence is currently insufficient to determine the role of this variant in disease. Therefore, it has been classified as a Variant of Uncertain Significance. Algorithms developed to predict the effect of sequence changes on RNA splicing suggest that this variant may create or strengthen a splice site. Algorithms developed to predict the effect of missense changes on protein structure and function are either unavailable or do not agree on the potential impact of this missense change (SIFT: "Deleterious"; PolyPhen-2: "Probably Damaging"; Align-GVGD: "Class C15"). This variant is not present in population databases (ExAC no frequency). This sequence change replaces glycine with cysteine at codon 293 of the JPH2 protein (p.Gly293Cys). The glycine residue is highly conserved and there is a large physicochemical difference between glycine and cysteine.